The following is an entry in ClinVar:

NM_000890.5(KCNJ5):c.658C>T (p.Arg220Trp)

Gene: KCNJ5 (potassium inwardly rectifying channel subfamily J member 5; plus strand). Cytogenetic location: 11q24.3.
Variant type: single nucleotide variant.
Coding change: c.658C>T on transcript NM_000890.5 (MANE Select); coding-DNA position 658, C replaced by T.
Protein change: p.Arg220Trp; replaces arginine 220 with tryptophan.
Molecular consequence: missense variant.
Genome position (GRCh38, 1-based): chr11:128,911,931, C>T. VCF-style: chr11-128911931-C-T. GRCh37 (hg19) VCF-style: chr11-128781826-C-T.
Other names: c.658C>T (LRG_333t1); c.658C>T, p.Arg220Trp (NM_001354169.2); short protein forms R220W.
Identifiers: ClinVar variation 216484 (VCV000216484.9), dbSNP rs772551729, ClinGen allele CA339190.

ClinVar aggregate classification (germline): Uncertain significance. Review status: criteria provided, multiple submitters, no conflicts (2 of 4 stars). 2 submissions from 2 submitters: Uncertain significance (2). Last evaluated 2021-01-20.

Conditions:
Familial hyperaldosteronism type III. Also called: Familial hyperaldosteronism type 3; FH III. Identifiers: Orphanet 251274, MedGen C3838758, MONDO:0013359, OMIM 613677.
Long QT syndrome (LQTS). Identifiers: MedGen C0023976, MeSH D008133, MONDO:0002442. Disease mechanism: loss of function. Inheritance: Various modes of inheritance.

Allele frequency attached by ClinVar (database versions not stated): gnomAD exomes below 0.00001 and 0.00001; TOPMed below 0.00001; ExAC 0.00002.
gnomAD v4.1: 6 of 1,600,208 alleles (0.00037%); highest among the groups gnomAD compares: Non-Finnish European, 0.00051%; no homozygotes.

Submissions (2):

Baylor Genetics
Classification: Uncertain significance for Familial hyperaldosteronism type III. Last evaluated: 2021-01-20. Review status: criteria provided, single submitter. Criteria: ACMG Guidelines, 2015. Collection method: clinical testing. Allele origin: unknown.

Labcorp Genetics (formerly Invitae), Labcorp
Classification: Uncertain significance for Long QT syndrome. Last evaluated: 2015-01-31. Review status: criteria provided, single submitter. Criteria: Invitae Variant Classification Sherloc (09022015). Collection method: clinical testing. Allele origin: germline.
Comment: In summary, this is a rare missense change with uncertain impact on protein function. It has been classified as a Variant of Uncertain Significance. Algorithms developed to predict the effect of missense changes on protein structure and function (SIFT, PolyPhen-2, Align-GVGD) all suggest that this variant is likely to be disruptive, but these predictions have not been confirmed by published functional studies. This variant has not been published in the literature and is present in population databases (noRSID, <0.001%). This sequence change replaces arginine with tryptophan at codon 220 of the KCNJ5 protein (p.Arg220Trp). The arginine residue is highly conserved and there is a moderate physicochemical difference between arginine and tryptophan.